The following is an entry in ClinVar:

NM_001286555.3(DUSP22):c.573G>A (p.Pro191=)

Gene: DUSP22 (dual specificity phosphatase 22; plus strand). Cytogenetic location: 6p25.3.
Variant type: single nucleotide variant.
Coding change: c.573G>A on transcript NM_001286555.3 (MANE Select); coding-DNA position 573, G replaced by A.
Protein change: p.Pro191=; no amino-acid change (proline 191 retained).
Molecular consequence: synonymous variant. On other transcripts: non-coding transcript variant (3), intron variant (1).
Genome position (GRCh38, 1-based): chr6:348,906, G>A. VCF-style: chr6-348906-G-A. GRCh37 (hg19) VCF-style: chr6-348906-G-A.
Other names: c.508+65G>A (NM_020185.6).
Identifiers: ClinVar variation 3059480 (VCV003059480.2), dbSNP rs11242812, ClinGen allele CA3612491.
Genomic context (GRCh38, chr6:348,906, plus strand): 5'-ATATAAGGAGCAAGGGCGCACAGAGCCCCAGCCCGGCGCCAGGCGGTGGAGCAGTTTTCC[G>A]GCACTGGCTCCGCTGACCTACGATAATTATACGACGGAGACCTAACGCAAGCGACCTGCT-3'
Protein context (NP_001273484.1, residues 181-201): QPGARRWSSF[Pro191=]ALAPLTYDNY

ClinVar aggregate classification (germline): Benign (0 of 4 stars; one submission).

Conditions:
DUSP22-related disorder. Also called: DUSP22-related condition.

Allele frequency attached by ClinVar (database versions not stated): ExAC 0.48823.

Submission:

PreventionGenetics, part of Exact Sciences
Classification: Benign for DUSP22-related condition. Last evaluated: 2021-02-03. Review status: no assertion criteria provided. Collection method: clinical testing. Allele origin: germline.
Comment: This variant is classified as benign based on ACMG/AMP sequence variant interpretation guidelines (Richards et al. 2015 PMID: 25741868, with internal and published modifications).